The following is an entry in ClinVar:

ClinVar aggregate classification (germline): Uncertain significance (1 of 4 stars; one submission).

Conditions:
Inborn genetic diseases. Identifiers: MedGen C0950123, MeSH D030342.

Submission:

Ambry Genetics
Classification: Uncertain significance for Inborn genetic diseases. Last evaluated: 2026-05-14. Review status: criteria provided, single submitter. Criteria: Ambry Variant Classification Scheme 2023. Collection method: clinical testing. Allele origin: germline.
Comment: The p.P1576L variant (also known as c.4727C>T), located in coding exon 1 of the SAMD9L gene, results from a C to T substitution at nucleotide position 4727. The proline at codon 1576 is replaced by leucine, an amino acid with similar properties. This amino acid position is conserved. In addition, this alteration is predicted to be tolerated by in silico analysis. Based on the available evidence, the clinical significance of this variant remains unclear.

NM_152703.5(SAMD9L):c.4727C>T (p.Pro1576Leu)

Gene: SAMD9L (sterile alpha motif domain containing 9 like; minus strand). Cytogenetic location: 7q21.2.
Variant type: single nucleotide variant.
Coding change: c.4727C>T on transcript NM_152703.5 (MANE Select); coding-DNA position 4727, C replaced by T.
Protein change: p.Pro1576Leu; replaces proline 1576 with leucine.
Molecular consequence: missense variant.
Genome position (GRCh38, 1-based): chr7:93,131,245, G>A on the plus strand (C>T on the coding strand, the complement: SAMD9L is on the minus strand). VCF-style: chr7-93131245-G-A. GRCh37 (hg19) VCF-style: chr7-92760558-G-A.
Other names: c.4727C>T, p.Pro1576Leu (NM_001303496.3, NM_001303497.3, NM_001303498.3 and 5 more transcripts); short protein forms P1576L.
Identifiers: ClinVar variation 4863998 (VCV004863998.1).
Genomic context (GRCh38, chr7:93,131,245, plus strand): 5'-AAACGTATTTGAACTACAGGTGATGTATTGTCTTAAATTACTTCTATATCATATGCCAGA[G>A]GGCCTTCAATGGAAAATCCTAGGTAGAAAGACACTCTTTCTATGTTCCTACCACTTCTGA-3'
Protein context (NP_689916.2, residues 1566-1584): SFYLGFSIEG[Pro1576Leu]LAYDIEVI